The following is an entry in ClinVar:

NM_006885.4(ZFHX3):c.3469G>C (p.Glu1157Gln)

Gene: ZFHX3 (zinc finger homeobox 3; minus strand). Cytogenetic location: 16q22.3.
Variant type: single nucleotide variant.
Coding change: c.3469G>C on transcript NM_006885.4 (MANE Select); coding-DNA position 3469, G replaced by C.
Protein change: p.Glu1157Gln; replaces glutamic acid 1157 with glutamine.
Molecular consequence: missense variant.
Genome position (GRCh38, 1-based): chr16:72,829,839, C>G on the plus strand (G>C on the coding strand, the complement: ZFHX3 is on the minus strand). VCF-style: chr16-72829839-C-G. GRCh37 (hg19) VCF-style: chr16-72863738-C-G.
Other names: c.727G>C, p.Glu243Gln (NM_001164766.2); c.3469G>C, p.Glu1157Gln (NM_001386735.1); short protein forms E1157Q, E243Q.
Identifiers: ClinVar variation 3899422 (VCV003899422.1).
Genomic context (GRCh38, chr16:72,829,839, plus strand): 5'-CTCCGCCCTCTTGGTCCTTAGCAAGCTCCTCTGGATCAGCAGCTGTTTCACTGGGTCCTT[C>G]AACATCTTCAATGGCTTCTTCTGAAACAGAAGAAAAACATGTCAAGGGTTAAAAATAAAA-3'
Protein context (NP_008816.3, residues 1147-1167): TDPEEAIEDV[Glu1157Gln]GPSETAADPE

ClinVar aggregate classification (germline): Uncertain significance (1 of 4 stars; one submission).

Submission:

GeneDx
Classification: Uncertain significance. Last evaluated: 2024-11-19. Review status: criteria provided, single submitter. Criteria: GeneDx Variant Classification Process June 2021. Collection method: clinical testing. Allele origin: germline. Affected: yes.
Comment: Not observed at significant frequency in large population cohorts (gnomAD); In silico analysis indicates that this missense variant does not alter protein structure/function; Has not been previously published as pathogenic or benign to our knowledge